The following is an entry in ClinVar:

NM_007215.4(POLG2):c.379C>T (p.Pro127Ser)

Genes: MILR1 (mast cell immunoglobulin like receptor 1; plus strand), POLG2 (DNA polymerase gamma 2, accessory subunit; minus strand). Cytogenetic location: 17q23.3.
Variant type: single nucleotide variant.
Coding change: c.379C>T on transcript NM_007215.4 (MANE Select); coding-DNA position 379, C replaced by T.
Protein change: p.Pro127Ser; replaces proline 127 with serine.
Molecular consequence: missense variant.
Genome position (GRCh38, 1-based): chr17:64,496,590, G>A on the plus strand (C>T on the coding strand, the complement: POLG2 is on the minus strand). VCF-style: chr17-64496590-G-A. GRCh37 (hg19) VCF-style: chr17-62492708-G-A.
Other names: short protein forms P127S.
Identifiers: ClinVar variation 2980983 (VCV002980983.3), dbSNP rs782267232, ClinGen allele CA8713037.
Genomic context (GRCh38, chr17:64,496,590, plus strand): 5'-ACCTGAAGGCACTGTCCCCGGGTAGCAAAGGGCCTGGTTTGTGGTGGAGGGCGTCCACCG[G>A]GAATACCTGCTCCCTGAACACCACCACCGAGGTCCACCATTCTGCGGCCAGGTTCTTCCG-3'
Protein context (NP_009146.2, residues 117-137): SVVVFREQVF[Pro127Ser]VDALHHKPGP

ClinVar aggregate classification (germline): Uncertain significance (1 of 4 stars; one submission).

Allele frequency attached by ClinVar (database versions not stated): ExAC 0.00001; gnomAD exomes 0.00002.
gnomAD v4.1: 22 of 1,613,208 alleles (0.0014%); highest among the groups gnomAD compares: Non-Finnish European, 0.0019%; no homozygotes.

Submission:

Labcorp Genetics (formerly Invitae), Labcorp
Classification: Uncertain significance. Last evaluated: 2023-03-28. Review status: criteria provided, single submitter. Criteria: Invitae Variant Classification Sherloc (09022015). Collection method: clinical testing. Allele origin: germline.
Comment: In summary, the available evidence is currently insufficient to determine the role of this variant in disease. Therefore, it has been classified as a Variant of Uncertain Significance. An algorithm developed to predict the effect of missense changes on protein structure and function (PolyPhen-2) suggests that this variant is likely to be tolerated. This variant has not been reported in the literature in individuals affected with POLG2-related conditions. The frequency data for this variant in the population databases is considered unreliable, as metrics indicate poor data quality at this position in the gnomAD database. This sequence change replaces proline, which is neutral and non-polar, with serine, which is neutral and polar, at codon 127 of the POLG2 protein (p.Pro127Ser).